The following is an entry in ClinVar:

NM_001692.4(ATP6V1B1):c.687+1G>A

Gene: ATP6V1B1 (ATPase H+ transporting V1 subunit B1; plus strand). Cytogenetic location: 2p13.3.
Variant type: single nucleotide variant.
Coding change: c.687+1G>A on transcript NM_001692.4 (MANE Select); the canonical splice donor site of the intron after coding-DNA position 687, G replaced by A.
Molecular consequence: splice donor variant.
Genome position (GRCh38, 1-based): chr2:70,961,023, G>A. VCF-style: chr2-70961023-G-A. GRCh37 (hg19) VCF-style: chr2-71188153-G-A.
Other names: c.687+1G>A (NM_001692.3).
Identifiers: ClinVar variation 3586876 (VCV003586876.2).
Genomic context (GRCh38, chr2:70,961,023, plus strand): 5'-TCCAAGGCTGTGCTGGATTACCATGACGACAACTTCGCCATCGTCTTTGCAGCCATGGGG[G>A]TGAGGAGACTTAGTAGACTGGCAAGTTCTGGAGGCTGTGAGCAGGCAGCCTGTCTCCCTC-3'

ClinVar aggregate classification (germline): Pathogenic/Likely pathogenic. Review status: criteria provided, multiple submitters, no conflicts (2 of 4 stars). 2 submissions from 2 submitters: Pathogenic (1); Likely pathogenic (1). Last evaluated 2024-11-29.

Conditions:
Renal tubular acidosis with progressive nerve deafness. Also called: renal tubular acidosis, distal, 2, with progressive sensorineural hearing loss; Distal Renal Tubular Acidosis with Progressive Sensorineural Deafness; RENAL TUBULAR ACIDOSIS, AUTOSOMAL RECESSIVE, WITH PROGRESSIVE NERVE DEAFNESS; RTA WITH PROGRESSIVE NERVE DEAFNESS. Identifiers: MedGen C0403554, MONDO:0009968, OMIM 267300.

gnomAD v4.1: 2 of 1,577,892 alleles (0.00013%); highest among the groups gnomAD compares: Non-Finnish European, 0.00017%; no homozygotes.

Submissions (2):

Natera, Inc.
Classification: Pathogenic for Renal tubular acidosis with progressive nerve deafness. Last evaluated: 2024-11-29. Review status: criteria provided, single submitter. Criteria: Natera Variant Classification Schema (03/2026). Collection method: clinical testing. Allele origin: germline.
Comment: The c.687+1G>A variant in ATP6V1B1 is a canonical splice donor site variant predicted to affect pre-mRNA splicing, which may result in an abnormal transcript and altered protein product. This variant may result in a truncated or dysfunctional protein product. This variant is rare in the general population with a frequency below the threshold expected for the associated phenotype(s). This variant has been observed in one or more individuals affected with the associated recessive disease, as either homozygous or compound heterozygous with a second variant (PMID: 28233610, 35052694, 38547852). Another variant at this same site results in an alteration predicted to cause a similar molecular effect has been observed in individual(s) with the associated phenotype. Given the available evidence, this variant is classified as Pathogenic.

Fulgent Genetics
Classification: Likely pathogenic for Renal tubular acidosis with progressive nerve deafness. Last evaluated: 2024-06-12. Review status: criteria provided, single submitter. Criteria: ACMG Guidelines, 2015. Collection method: clinical testing. Allele origin: germline.

Literature cited by the submitters: PubMed 28233610 (cited by Natera, Inc.); PubMed 35052694 (cited by Natera, Inc.); PubMed 38547852 (cited by Natera, Inc.).